The following is an entry in ClinVar:

NM_148960.3(CLDN19):c.41C>A (p.Ala14Asp)

Gene: CLDN19 (claudin 19; minus strand). Cytogenetic location: 1p34.2.
Variant type: single nucleotide variant.
Coding change: c.41C>A on transcript NM_148960.3 (MANE Select); coding-DNA position 41, C replaced by A.
Protein change: p.Ala14Asp; replaces alanine 14 with aspartic acid.
Molecular consequence: missense variant.
Genome position (GRCh38, 1-based): chr1:42,740,023, G>T on the plus strand (C>A on the coding strand, the complement: CLDN19 is on the minus strand). VCF-style: chr1-42740023-G-T. GRCh37 (hg19) VCF-style: chr1-43205694-G-T.
Other names: c.41C>A, p.Ala14Asp (NM_001123395.2, NM_001185117.2); short protein forms A14D.
Identifiers: ClinVar variation 1349648 (VCV001349648.8), dbSNP rs751251811, ClinGen allele CA801485.
Genomic context (GRCh38, chr1:42,740,023, plus strand): 5'-GAAGACTGCTTCCACTGTGGCAGGGCTGTGCTAGCAATGATGCCCACCCAGCCACCCAGG[G>T]CCAAGAAGTAGCCCAGGAGCTGGAGGCCTGAGTTGGCCATGGCCCAGGAGAGAGGACCGA-3'
Protein context (NP_683763.2, residues 4-24): SGLQLLGYFL[Ala14Asp]LGGWVGIIAS

ClinVar aggregate classification (germline): Uncertain significance (1 of 4 stars; one submission).

Allele frequency attached by ClinVar (database versions not stated): gnomAD exomes below 0.00001; gnomAD 0.00001; TOPMed 0.00001.
gnomAD v4.1: 6 of 1,567,322 alleles (0.00038%); highest among the groups gnomAD compares: Non-Finnish European, 0.00052%; no homozygotes.

Submission:

Labcorp Genetics (formerly Invitae), Labcorp
Classification: Uncertain significance. Last evaluated: 2021-04-28. Review status: criteria provided, single submitter. Criteria: Invitae Variant Classification Sherloc (09022015). Collection method: clinical testing. Allele origin: germline.
Comment: In summary, the available evidence is currently insufficient to determine the role of this variant in disease. Therefore, it has been classified as a Variant of Uncertain Significance. Algorithms developed to predict the effect of missense changes on protein structure and function are either unavailable or do not agree on the potential impact of this missense change (SIFT: "Deleterious"; PolyPhen-2: "Probably Damaging"; Align-GVGD: "Class C0"). This variant has not been reported in the literature in individuals with CLDN19-related conditions. The frequency data for this variant in the population databases is considered unreliable, as metrics indicate poor data quality at this position in the ExAC database. This sequence change replaces alanine with aspartic acid at codon 14 of the CLDN19 protein (p.Ala14Asp). The alanine residue is highly conserved and there is a moderate physicochemical difference between alanine and aspartic acid.